The following is an entry in ClinVar:

NM_000350.3(ABCA4):c.5689C>T (p.Gln1897Ter)

Gene: ABCA4 (ATP binding cassette subfamily A member 4; minus strand). Cytogenetic location: 1p22.1.
Variant type: single nucleotide variant.
Coding change: c.5689C>T on transcript NM_000350.3 (MANE Select); coding-DNA position 5689, C replaced by T.
Protein change: p.Gln1897Ter; replaces glutamine 1897 with a stop codon.
Molecular consequence: nonsense.
Genome position (GRCh38, 1-based): chr1:94,010,825, G>A on the plus strand (C>T on the coding strand, the complement: ABCA4 is on the minus strand). VCF-style: chr1-94010825-G-A. GRCh37 (hg19) VCF-style: chr1-94476381-G-A.
Other names: c.5467C>T, p.Gln1823Ter (NM_001425324.1); short protein forms Q1823*, Q1897*.
Identifiers: ClinVar variation 3675355 (VCV003675355.2).

ClinVar aggregate classification (germline): Pathogenic (1 of 4 stars; one submission).

Submission:

Labcorp Genetics (formerly Invitae), Labcorp
Classification: Pathogenic. Last evaluated: 2024-03-24. Review status: criteria provided, single submitter. Criteria: Invitae Variant Classification Sherloc (09022015). Collection method: clinical testing. Allele origin: germline.
Comment: This sequence change creates a premature translational stop signal (p.Gln1897*) in the ABCA4 gene. It is expected to result in an absent or disrupted protein product. Loss-of-function variants in ABCA4 are known to be pathogenic (PMID: 10958761, 24938718, 25312043, 26780318). This variant is not present in population databases (gnomAD no frequency). This variant has not been reported in the literature in individuals affected with ABCA4-related conditions. For these reasons, this variant has been classified as Pathogenic.

Literature cited by the submitters: PubMed 10958761; PubMed 24938718; PubMed 25312043; PubMed 26780318.